The following is an entry in ClinVar:

NM_000256.3(MYBPC3):c.2350G>A (p.Gly784Arg)

Gene: MYBPC3 (myosin binding protein C3; minus strand). Cytogenetic location: 11p11.2.
Variant type: single nucleotide variant.
Coding change: c.2350G>A on transcript NM_000256.3 (MANE Select); coding-DNA position 2350, G replaced by A.
Protein change: p.Gly784Arg; replaces glycine 784 with arginine.
Molecular consequence: missense variant.
Genome position (GRCh38, 1-based): chr11:47,337,753, C>T on the plus strand (G>A on the coding strand, the complement: MYBPC3 is on the minus strand). VCF-style: chr11-47337753-C-T. GRCh37 (hg19) VCF-style: chr11-47359304-C-T.
Other names: short protein forms G784R.
Identifiers: ClinVar variation 1329387 (VCV001329387.3), dbSNP rs1436008394, ClinGen allele CA380318910.

ClinVar aggregate classification (germline): Uncertain significance. Review status: criteria provided, multiple submitters, no conflicts (2 of 4 stars). 2 submissions from 2 submitters: Uncertain significance (2). Last evaluated 2023-06-26.

Conditions:
Cardiomyopathy (CMYO). Also called: Cardiomyopathies. Identifiers: Orphanet 167848, MedGen C0878544, MONDO:0004994, HP:0001638. Inheritance: Various modes of inheritance.
Hypertrophic cardiomyopathy. Also called: HYPERTROPHIC MYOCARDIOPATHY. Identifiers: Orphanet 217569, MedGen C0007194, MeSH D002312, MONDO:0005045, HP:0001639.

Submissions (2):

All of Us Research Program, National Institutes of Health
Classification: Uncertain significance for Hypertrophic cardiomyopathy. Last evaluated: 2023-06-26. Review status: criteria provided, single submitter. Criteria: ACMG Guidelines, 2015. Collection method: clinical testing. Allele origin: germline. Inheritance: Autosomal dominant inheritance. Observed: 1 variant allele, 1 heterozygote.
Comment: This missense variant replaces glycine with arginine at codon 784 of the MYBPC3 protein. Computational prediction is inconclusive regarding the impact of this variant on protein structure and function (internally defined REVEL score threshold 0.5 < inconclusive < 0.7, PMID: 27666373). To our knowledge, functional studies have not been reported for this variant. This variant has not been reported in individuals affected with MYBPC3-related disorders in the literature. This variant has not been identified in the general population by the Genome Aggregation Database (gnomAD). The available evidence is insufficient to determine the role of this variant in disease conclusively. Therefore, this variant is classified as a Variant of Uncertain Significance.

This study involves interpretation of variants in research participants for the purpose of population health screening. Participant phenotype was not available at the time of variant classification. Additional details can be found in publication PMID: 35346344, PMCID: PMC8962531

CHEO Genetics Diagnostic Laboratory, Children's Hospital of Eastern Ontario
Classification: Uncertain significance for Cardiomyopathy. Last evaluated: 2019-11-29. Review status: criteria provided, single submitter. Criteria: ACMG Guidelines, 2015. Collection method: clinical testing. Allele origin: germline.